The following is an entry in ClinVar:

ClinVar aggregate classification (germline): Benign (0 of 4 stars; one submission).

Conditions:
TNS1-related disorder. Also called: TNS1-related condition.

Allele frequency attached by ClinVar (database versions not stated): ESP Exome Variant Server 0.00331; gnomAD 0.00397; 1000 Genomes Project 30x 0.00437; TOPMed 0.00445; 1000 Genomes Project 0.00459.
gnomAD v4.1: 1,118 of 1,511,234 alleles (0.074%); highest among the groups gnomAD compares: African/African-American, 1.4%; 7 homozygotes.

Submission:

PreventionGenetics, part of Exact Sciences
Classification: Benign for TNS1-related condition. Last evaluated: 2019-08-01. Review status: no assertion criteria provided. Collection method: clinical testing. Allele origin: germline.
Comment: This variant is classified as benign based on ACMG/AMP sequence variant interpretation guidelines (Richards et al. 2015 PMID: 25741868, with internal and published modifications).

NM_001387777.1(TNS1):c.2544C>T (p.Ser848=)

Gene: TNS1 (tensin 1; minus strand). Cytogenetic location: 2q35.
Variant type: single nucleotide variant.
Coding change: c.2544C>T on transcript NM_001387777.1 (MANE Select); coding-DNA position 2544, C replaced by T.
Protein change: p.Ser848=; no amino-acid change (serine 848 retained).
Molecular consequence: synonymous variant.
Genome position (GRCh38, 1-based): chr2:217,847,973, G>A on the plus strand (C>T on the coding strand, the complement: TNS1 is on the minus strand). VCF-style: chr2-217847973-G-A. GRCh37 (hg19) VCF-style: chr2-218712696-G-A.
Other names: c.2169C>T, p.Ser723= (NM_001308022.2, NM_001308023.2, NM_022648.7).
Identifiers: ClinVar variation 3042888 (VCV003042888.2), dbSNP rs150797591, ClinGen allele CA2100214.
Genomic context (GRCh38, chr2:217,847,973, plus strand): 5'-TGGAGAAGCCCCTGGCCAGGCCCCGGGGACACTCTGGGACTTGTGTAGTGGGGCAGCAGC[G>A]GAGGCTGGCTCCAGGTCCAGCATCAGCATATTGAGTGTTTCGATGGACTGTTCAATCTCC-3'
Protein context (NP_001374706.1, residues 838-858): NMLMLDLEPA[Ser848=]AAAPLHKSQS